The following is an entry in ClinVar:

ClinVar aggregate classification (germline): Uncertain significance (1 of 4 stars; one submission).

Conditions:
Dyskeratosis congenita, autosomal dominant 2. Identifiers: MedGen C3151443, MONDO:0013521, OMIM 613989.
Idiopathic Pulmonary Fibrosis. Also called: Idiopathic fibrosing alveolitis, chronic form; idiopathic fibrosing alveolitis. Identifiers: Orphanet 2032, MedGen C1800706, MeSH D054990, MONDO:0800504.

Allele frequency attached by ClinVar (database versions not stated): gnomAD exomes below 0.00001; ExAC 0.00001.
gnomAD v4.1: 1 of 1,611,740 alleles (0.000062%); highest among the groups gnomAD compares: Non-Finnish European, 0.000085%; no homozygotes.

Submission:

Labcorp Genetics (formerly Invitae), Labcorp
Classification: Uncertain significance for Dyskeratosis congenita, autosomal dominant 2; Idiopathic Pulmonary Fibrosis. Last evaluated: 2023-12-30. Review status: criteria provided, single submitter. Criteria: Invitae Variant Classification Sherloc (09022015). Collection method: clinical testing. Allele origin: germline.
Comment: This sequence change replaces threonine, which is neutral and polar, with alanine, which is neutral and non-polar, at codon 767 of the TERT protein (p.Thr767Ala). This variant is present in population databases (rs774249292, gnomAD 0.0009%). This variant has not been reported in the literature in individuals affected with TERT-related conditions. Advanced modeling of protein sequence and biophysical properties (such as structural, functional, and spatial information, amino acid conservation, physicochemical variation, residue mobility, and thermodynamic stability) performed at Invitae indicates that this missense variant is not expected to disrupt TERT protein function with a negative predictive value of 95%. In summary, the available evidence is currently insufficient to determine the role of this variant in disease. Therefore, it has been classified as a Variant of Uncertain Significance.

NM_198253.3(TERT):c.2299A>G (p.Thr767Ala)

Gene: TERT (telomerase reverse transcriptase; minus strand). Cytogenetic location: 5p15.33.
Variant type: single nucleotide variant.
Coding change: c.2299A>G on transcript NM_198253.3 (MANE Select); coding-DNA position 2299, A replaced by G.
Protein change: p.Thr767Ala; replaces threonine 767 with alanine.
Molecular consequence: missense variant.
Genome position (GRCh38, 1-based): chr5:1,272,268, T>C on the plus strand (A>G on the coding strand, the complement: TERT is on the minus strand). VCF-style: chr5-1272268-T-C. GRCh37 (hg19) VCF-style: chr5-1272383-T-C.
Other names: c.2299A>G, p.Thr767Ala (NM_001193376.3, NM_003219.1); short protein forms T767A.
Identifiers: ClinVar variation 2921802 (VCV002921802.3), dbSNP rs774249292, ClinGen allele CA3184573.